The following is an entry in ClinVar:

ClinVar aggregate classification (germline): Uncertain significance (1 of 4 stars; one submission).

Conditions:
Hereditary spastic paraplegia 39 (SPG39). Also called: SPASTIC PARAPLEGIA 39, AUTOSOMAL RECESSIVE; Spastic Paraplegia Type 39 (SPG39). Identifiers: Orphanet 139480, MedGen C2677586, MONDO:0012787, OMIM 612020.

Allele frequency attached by ClinVar (database versions not stated): TOPMed below 0.00001; gnomAD 0.00001.

Submission:

Labcorp Genetics (formerly Invitae), Labcorp
Classification: Uncertain significance for Hereditary spastic paraplegia 39. Last evaluated: 2022-11-22. Review status: criteria provided, single submitter. Criteria: Invitae Variant Classification Sherloc (09022015). Collection method: clinical testing. Allele origin: germline.
Comment: In summary, the available evidence is currently insufficient to determine the role of this variant in disease. Therefore, it has been classified as a Variant of Uncertain Significance. Advanced modeling of protein sequence and biophysical properties (such as structural, functional, and spatial information, amino acid conservation, physicochemical variation, residue mobility, and thermodynamic stability) performed at Invitae indicates that this missense variant is not expected to disrupt PNPLA6 protein function. This sequence change replaces alanine, which is neutral and non-polar, with threonine, which is neutral and polar, at codon 118 of the PNPLA6 protein (p.Ala118Thr). The frequency data for this variant in the population databases is considered unreliable, as metrics indicate poor data quality at this position in the gnomAD database. This variant has not been reported in the literature in individuals affected with PNPLA6-related conditions.

NM_001166114.2(PNPLA6):c.469G>A (p.Ala157Thr)

Gene: PNPLA6 (patatin like domain 6, lysophospholipase; plus strand). Cytogenetic location: 19p13.2.
Variant type: single nucleotide variant.
Coding change: c.469G>A on transcript NM_001166114.2 (MANE Select); coding-DNA position 469, G replaced by A.
Protein change: p.Ala157Thr; replaces alanine 157 with threonine.
Molecular consequence: missense variant.
Genome position (GRCh38, 1-based): chr19:7,539,973, G>A. VCF-style: chr19-7539973-G-A. GRCh37 (hg19) VCF-style: chr19-7604859-G-A.
Other names: c.496G>A, p.Ala166Thr (NM_001166111.2); c.352G>A, p.Ala118Thr (NM_001166112.2, NM_001166113.1, NM_006702.5); short protein forms A157T, A166T, A118T.
Identifiers: ClinVar variation 1912304 (VCV001912304.5), dbSNP rs767940871, ClinGen allele CA9139473.